The following is an entry in ClinVar:

NM_001126108.2(SLC12A3):c.1084G>A (p.Gly362Ser)

Gene: SLC12A3 (solute carrier family 12 member 3; plus strand). Cytogenetic location: 16q13.
Variant type: single nucleotide variant.
Coding change: c.1084G>A on transcript NM_001126108.2 (MANE Select); coding-DNA position 1084, G replaced by A.
Protein change: p.Gly362Ser; replaces glycine 362 with serine.
Molecular consequence: missense variant.
Genome position (GRCh38, 1-based): chr16:56,872,775, G>A. VCF-style: chr16-56872775-G-A. GRCh37 (hg19) VCF-style: chr16-56906687-G-A.
Other names: c.1084G>A, p.Gly362Ser (NM_000339.3); c.1081G>A, p.Gly361Ser (NM_001126107.2, NM_001410896.1); short protein forms G362S, G361S.
Identifiers: ClinVar variation 1923912 (VCV001923912.7), dbSNP rs2543489066, ClinGen allele CA395983914.

ClinVar aggregate classification (germline): Pathogenic/Likely pathogenic. Review status: criteria provided, multiple submitters, no conflicts (2 of 4 stars). 2 submissions from 2 submitters: Pathogenic (1); Likely pathogenic (1). Last evaluated 2026-01-02.

Conditions:
Familial hypokalemia-hypomagnesemia (GTLMNS). Also called: gitelman syndrome; HYPOMAGNESEMIA-HYPOKALEMIA, PRIMARY RENOTUBULAR, WITH HYPOCALCIURIA; POTASSIUM AND MAGNESIUM DEPLETION. Identifiers: Orphanet 358, MedGen C0268450, MONDO:0009904, OMIM 263800.

Submissions (2):

Labcorp Genetics (formerly Invitae), Labcorp
Classification: Pathogenic. Last evaluated: 2026-01-02. Review status: criteria provided, single submitter. Criteria: Invitae Variant Classification Sherloc (09022015). Collection method: clinical testing. Allele origin: germline.
Comment: This sequence change replaces glycine, which is neutral and non-polar, with serine, which is neutral and polar, at codon 362 of the SLC12A3 protein (p.Gly362Ser). This variant is not present in population databases (gnomAD no frequency). This missense change has been observed in individuals with Gitelman syndrome (PMID: 31398183; internal data). ClinVar contains an entry for this variant (Variation ID: 1923912). Invitae Evidence Modeling of protein sequence and biophysical properties (such as structural, functional, and spatial information, amino acid conservation, physicochemical variation, residue mobility, and thermodynamic stability) indicates that this missense variant is expected to disrupt SLC12A3 protein function with a positive predictive value of 95%. This variant disrupts the p.Gly362 amino acid residue in SLC12A3. Other variant(s) that disrupt this residue have been determined to be pathogenic (PMID: 21415153, 31398183). This suggests that this residue is clinically significant, and that variants that disrupt this residue are likely to be disease-causing. For these reasons, this variant has been classified as Pathogenic.

Juno Genomics, Hangzhou Juno Genomics, Inc
Classification: Likely pathogenic for Familial hypokalemia-hypomagnesemia. Review status: criteria provided, single submitter. Criteria: ACMG Guidelines, 2015. Collection method: clinical testing. Allele origin: germline.
Comment: Absent from controls (or at extremely low frequency if recessive) in Genome Aggregation Database.;Multiple lines of computational evidence support a deleterious effect on the gene or gene product.;For recessive disorders, detected in trans with a pathogenic variant.;Patient's phenotype or family history is highly specific for a disease with a single genetic etiology.

Literature cited by the submitters: PubMed 31398183 (cited by Labcorp Genetics (formerly Invitae), Labcorp); PubMed 21415153 (cited by Labcorp Genetics (formerly Invitae), Labcorp).